The following is an entry in ClinVar:

ClinVar aggregate classification (germline): Benign/Likely benign. Review status: criteria provided, multiple submitters, no conflicts (2 of 4 stars). 9 submissions from 9 submitters: Benign (4); Likely benign (4). 1 of the submissions does not count toward it. Last evaluated 2026-01-27.

Conditions:
SCN10A-related disorder. Also called: SCN10A-related condition.
Cardiovascular phenotype. Identifiers: MedGen CN230736.
Brugada syndrome. Also called: Sudden Unexplained Death Syndrome; Sudden Unexplained Nocturnal Death Syndrome (SUNDS); Sudden unexpected nocturnal death syndrome; Sudden unexplained nocturnal death syndrome. Identifiers: Orphanet 130, MedGen C1142166, MONDO:0015263.
Brugada syndrome 1 (BRGDA1). Also called: RIGHT BUNDLE BRANCH BLOCK, ST SEGMENT ELEVATION, AND SUDDEN DEATH SYNDROME. Identifiers: Orphanet 130, MedGen C4551804, MONDO:0011001, OMIM 601144.

Allele frequency attached by ClinVar (database versions not stated): ESP Exome Variant Server 0.00354; TOPMed 0.00359; gnomAD exomes 0.00030 and 0.00098; ExAC 0.00118; 1000 Genomes Project 30x 0.00187; 1000 Genomes Project 0.00200; gnomAD 0.00299 and 0.00318.

Submissions (9):

Labcorp Genetics (formerly Invitae), Labcorp
Classification: Benign for Brugada syndrome. Last evaluated: 2026-01-27. Review status: criteria provided, single submitter. Criteria: Invitae Variant Classification Sherloc (09022015). Collection method: clinical testing. Allele origin: germline.

Women's Health and Genetics/Laboratory Corporation of America, LabCorp
Classification: Likely benign. Last evaluated: 2025-05-30. Review status: criteria provided, single submitter. Criteria: LabCorp Variant Classification Summary - May 2015. Collection method: clinical testing. Allele origin: germline.

Blueprint Genetics
Classification: Likely benign. Last evaluated: 2024-09-12. Review status: criteria provided, single submitter. Criteria: ACMG Guidelines, 2015. Collection method: clinical testing. Allele origin: germline.

Mendelics
Classification: Likely benign for Brugada syndrome 1. Last evaluated: 2019-05-28. Review status: criteria provided, single submitter. Criteria: Mendelics Assertion Criteria 2017. Collection method: clinical testing. Allele origin: unknown.

Ambry Genetics
Classification: Benign for Cardiovascular phenotype. Last evaluated: 2019-05-22. Review status: criteria provided, single submitter. Criteria: Ambry Variant Classification Scheme 2023. Collection method: clinical testing. Allele origin: germline.

GeneDx
Classification: Benign. Last evaluated: 2017-10-09. Review status: criteria provided, single submitter. Criteria: GeneDx Variant Classification (06012015). Collection method: clinical testing. Allele origin: germline. Affected: yes.
Comment: This variant is considered likely benign or benign based on one or more of the following criteria: it is a conservative change, it occurs at a poorly conserved position in the protein, it is predicted to be benign by multiple in silico algorithms, and/or has population frequency not consistent with disease.

Eurofins Ntd Llc (ga)
Classification: Benign. Last evaluated: 2013-07-08. Review status: criteria provided, single submitter. Criteria: EGL Classification Definitions 2015. Collection method: clinical testing. Allele origin: germline. Observed: 1 variant allele, 1 heterozygote.

Breakthrough Genomics
Classification: Likely benign. Review status: criteria provided, single submitter. Criteria: ACMG Guidelines, 2015. Collection method: not provided. Allele origin: germline. Inheritance: Autosomal dominant inheritance. Affected: yes.

PreventionGenetics, part of Exact Sciences
Classification: Likely benign for SCN10A-related condition. Last evaluated: 2024-09-15. Review status: no assertion criteria provided. Collection method: clinical testing. Allele origin: germline. Not counted in ClinVar's aggregate classification.
Comment: This variant is classified as likely benign based on ACMG/AMP sequence variant interpretation guidelines (Richards et al. 2015 PMID: 25741868, with internal and published modifications).

NM_006514.4(SCN10A):c.5657C>T (p.Ala1886Val)

Gene: SCN10A (sodium voltage-gated channel alpha subunit 10; minus strand). Cytogenetic location: 3p22.2.
Variant type: single nucleotide variant.
Coding change: c.5657C>T on transcript NM_006514.4 (MANE Select); coding-DNA position 5657, C replaced by T.
Protein change: p.Ala1886Val; replaces alanine 1886 with valine.
Molecular consequence: missense variant.
Genome position (GRCh38, 1-based): chr3:38,697,563, G>A on the plus strand (C>T on the coding strand, the complement: SCN10A is on the minus strand). VCF-style: chr3-38697563-G-A. GRCh37 (hg19) VCF-style: chr3-38739054-G-A.
Other names: c.5654C>T, p.Ala1885Val (NM_001293306.2); c.5363C>T, p.Ala1788Val (NM_001293307.2); short protein forms A1886V, A1788V, A1885V.
Identifiers: ClinVar variation 95405 (VCV000095405.22), dbSNP rs142653846, ClinGen allele CA2319627.